The following is an entry in ClinVar:

ClinVar aggregate classification (germline): Uncertain significance. Review status: criteria provided, multiple submitters, no conflicts (2 of 4 stars). 4 submissions from 4 submitters: Uncertain significance (4). Last evaluated 2026-04-22.

Conditions:
Epilepsy, progressive myoclonic, 1B. Also called: PME. Identifiers: Orphanet 308, MedGen C2676254, MONDO:0012904, OMIM 612437.

Allele frequency attached by ClinVar (database versions not stated): ExAC 0.00002; gnomAD exomes 0.00002 and 0.00001; gnomAD 0.00004 and 0.00003; TOPMed 0.00004.
gnomAD v4.1: 26 of 1,614,028 alleles (0.0016%); highest among the groups gnomAD compares: African/African-American, 0.0053%; no homozygotes.

Submissions (4):

Ambry Genetics
Classification: Uncertain significance. Last evaluated: 2026-04-22. Review status: criteria provided, single submitter. Criteria: Ambry Variant Classification Scheme 2023. Collection method: clinical testing. Allele origin: germline.
Comment: The c.2044C>T (p.R682C) alteration is located in exon 8 (coding exon 7) of the PRICKLE1 gene. This alteration results from a C to T substitution at nucleotide position 2044, causing the arginine (R) at amino acid position 682 to be replaced by a cysteine (C). Based on data from gnomAD, the T allele has an overall frequency of 0.002% (6/282854) total alleles studied. The highest observed frequency was 0.014% (1/7224) of Other alleles. Based on insufficient or conflicting evidence, the clinical significance of this alteration remains unclear.

GeneDx
Classification: Uncertain significance. Last evaluated: 2024-05-18. Review status: criteria provided, single submitter. Criteria: GeneDx Variant Classification Process June 2021. Collection method: clinical testing. Allele origin: germline. Affected: yes.
Comment: Published functional studies demonstrate an antagonizing effect on the wild-type protein (PMID: 21901791); In silico analysis supports that this missense variant has a deleterious effect on protein structure/function; This variant is associated with the following publications: (PMID: 21901791, 24307374, 30345727, 24838524)

Labcorp Genetics (formerly Invitae), Labcorp
Classification: Uncertain significance for Epilepsy, progressive myoclonic, 1B. Last evaluated: 2024-05-15. Review status: criteria provided, single submitter. Criteria: Invitae Variant Classification Sherloc (09022015). Collection method: clinical testing. Allele origin: germline.
Comment: This sequence change replaces arginine, which is basic and polar, with cysteine, which is neutral and slightly polar, at codon 682 of the PRICKLE1 protein (p.Arg682Cys). This variant is present in population databases (rs768954477, gnomAD 0.005%). This missense change has been observed in individual(s) with myelomeningocele (PMID: 21901791). ClinVar contains an entry for this variant (Variation ID: 1036235). Advanced modeling of protein sequence and biophysical properties (such as structural, functional, and spatial information, amino acid conservation, physicochemical variation, residue mobility, and thermodynamic stability) performed at Invitae indicates that this missense variant is not expected to disrupt PRICKLE1 protein function with a negative predictive value of 80%. Experimental studies have shown that this missense change affects PRICKLE1 function (PMID: 21901791). In summary, the available evidence is currently insufficient to determine the role of this variant in disease. Therefore, it has been classified as a Variant of Uncertain Significance.

Women's Health and Genetics/Laboratory Corporation of America, LabCorp
Classification: Uncertain significance. Last evaluated: 2023-08-29. Review status: criteria provided, single submitter. Criteria: LabCorp Variant Classification Summary - May 2015. Collection method: clinical testing. Allele origin: germline.
Comment: Variant summary: PRICKLE1 c.2044C>T (p.Arg682Cys) results in a non-conservative amino acid change in the encoded protein sequence. Four of five in-silico tools predict a damaging effect of the variant on protein function. The variant allele was found at a frequency of 2e-05 in 251454 control chromosomes (gnomAD). The available data on variant occurrences in the general population are insufficient to allow any conclusion about variant significance. c.2044C>T has been reported in the literature in an individual affected with myelomeningocele (example: Bosoi_2011). This report does not provide unequivocal conclusions about association of the variant with Epilepsy, progressive myoclonic, 1B. One-publication reported experimental evidence that p.Arg682Cys, antagonize the convergent extension (CE during gastrulation) phenotype induced by the wild-type zebrafish prickle1a in a dominant fashion (example: Bosoi_2011). The following publication has been ascertained in the context of this evaluation (PMID: 21901791). One submitter has cited clinical-significance assessments for this variant to ClinVar after 2014 and has classified the variant as uncertain significance. Based on the evidence outlined above, the variant was classified as uncertain significance.

Literature cited by the submitters: PubMed 21901791 (cited by Labcorp Genetics (formerly Invitae), Labcorp and Women's Health and Genetics/Laboratory Corporation of America, LabCorp).

NM_153026.3(PRICKLE1):c.2044C>T (p.Arg682Cys)

Gene: PRICKLE1 (prickle planar cell polarity protein 1; minus strand). Cytogenetic location: 12q12.
Variant type: single nucleotide variant.
Coding change: c.2044C>T on transcript NM_153026.3 (MANE Select); coding-DNA position 2044, C replaced by T.
Protein change: p.Arg682Cys; replaces arginine 682 with cysteine.
Molecular consequence: missense variant.
Genome position (GRCh38, 1-based): chr12:42,460,261, G>A on the plus strand (C>T on the coding strand, the complement: PRICKLE1 is on the minus strand). VCF-style: chr12-42460261-G-A. GRCh37 (hg19) VCF-style: chr12-42854063-G-A.
Other names: c.2044C>T, p.Arg682Cys (NM_001144881.2, NM_001144882.2, NM_001144883.2); c.2044C>T (NM_153026.2); short protein forms R682C.
Identifiers: ClinVar variation 1036235 (VCV001036235.9), dbSNP rs768954477, ClinGen allele CA6519662.